The following is an entry in ClinVar:

ClinVar aggregate classification (germline): Conflicting classifications of pathogenicity. Review status: criteria provided, conflicting classifications (1 of 4 stars). 13 submissions from 9 submitters: Uncertain significance (5); Likely benign (6). 2 of the submissions do not count toward it. Last evaluated 2026-03-30.

Conditions:
Myopathy, myofibrillar, 9, with early respiratory failure (MFM9). Also called: Myopathy, distal, with early respiratory failure, autosomal dominant; EDSTROM MYOPATHY; Hereditary myopathy with early respiratory failure; MYOPATHY, PROXIMAL, WITH EARLY RESPIRATORY MUSCLE INVOLVEMENT. Identifiers: Orphanet 178464, Orphanet 34521, MedGen C1863599, MONDO:0011362, OMIM 603689.
Tibial muscular dystrophy (TMD). Also called: Udd Distal Myopathy – Tibial Muscular Dystrophy; UDD MYOPATHY; Tibial muscular dystrophy, tardive. Identifiers: Orphanet 609, MedGen C1838244, MONDO:0010870, OMIM 600334.
Cardiomyopathy (CMYO). Also called: Cardiomyopathies. Identifiers: Orphanet 167848, MedGen C0878544, MONDO:0004994, HP:0001638. Inheritance: Various modes of inheritance.
Dilated cardiomyopathy 1G (CMD1G). Identifiers: Orphanet 154, MedGen C1858763, MONDO:0011400, OMIM 604145.
Autosomal recessive limb-girdle muscular dystrophy type 2J (LGMDR10). Also called: MUSCULAR DYSTROPHY, LIMB-GIRDLE, AUTOSOMAL RECESSIVE 10; Limb-girdle muscular dystrophy, type 2J. Identifiers: Orphanet 140922, MedGen C1837342, MONDO:0012127, OMIM 608807.
TTN-related disorder. Also called: TTN-related condition; TTN-related disease; TTN-related disorders.
Early-onset myopathy with fatal cardiomyopathy (CMYO5). Also called: CONGENITAL MYOPATHY 5 WITH CARDIOMYOPATHY; Salih Myopathy. Identifiers: Orphanet 289377, MedGen C2673677, MONDO:0012714, OMIM 611705. Disease mechanism: loss of function.

Allele frequency attached by ClinVar (database versions not stated): gnomAD exomes 0.00003 and 0.00006; ExAC 0.00004; gnomAD 0.00005; TOPMed 0.00006.
gnomAD v4.1: 87 of 1,609,048 alleles (0.0054%); highest among the groups gnomAD compares: Non-Finnish European, 0.0065%; no homozygotes.

Submissions (13):

PreventionGenetics, part of Exact Sciences
Classification: Likely benign for TTN-related condition. Last evaluated: 2026-03-30. Review status: criteria provided, single submitter. Criteria: ACMG Guidelines, 2015. Collection method: clinical testing. Allele origin: germline.
Comment: This variant is classified as likely benign based on ACMG/AMP sequence variant interpretation guidelines (Richards et al. 2015 PMID: 25741868, with internal and published modifications).

Labcorp Genetics (formerly Invitae), Labcorp
Classification: Likely benign for Dilated cardiomyopathy 1G; Autosomal recessive limb-girdle muscular dystrophy type 2J. Last evaluated: 2026-01-05. Review status: criteria provided, single submitter. Criteria: Invitae Variant Classification Sherloc (09022015). Collection method: clinical testing. Allele origin: germline.

Athena Diagnostics
Classification: Likely benign. Last evaluated: 2025-06-02. Review status: criteria provided, single submitter. Criteria: Athena Diagnostics Criteria. Collection method: clinical testing. Allele origin: unknown.
Comment: Computational tools yielded predictions that this variant is unlikely to have an effect on normal RNA splicing. This nucleotide position exhibits low evolutionary conservation.

Blueprint Genetics
Classification: Likely benign. Last evaluated: 2024-01-16. Review status: criteria provided, single submitter. Criteria: ACMG Guidelines, 2015. Collection method: clinical testing. Allele origin: germline.

CeGaT Center for Human Genetics Tuebingen
Classification: Likely benign. Last evaluated: 2022-06-01. Review status: criteria provided, single submitter. Criteria: CeGaT Center For Human Genetics Tuebingen Variant Classification Criteria Version 2. Collection method: clinical testing. Allele origin: germline. Affected: yes. Observed: 1 variant allele.
Comment: TTN: BP4, BP7

CHEO Genetics Diagnostic Laboratory, Children's Hospital of Eastern Ontario
Classification: Likely benign for Cardiomyopathy. Last evaluated: 2018-07-24. Review status: criteria provided, single submitter. Criteria: ACMG Guidelines, 2015. Collection method: clinical testing. Allele origin: germline.

Illumina Laboratory Services, Illumina
Classification: Uncertain significance for Autosomal recessive limb-girdle muscular dystrophy type 2J. Last evaluated: 2018-01-13. Review status: criteria provided, single submitter. Criteria: ICSL Variant Classification Criteria 13 December 2019. Collection method: clinical testing. Allele origin: germline.

Illumina Laboratory Services, Illumina
Classification: Uncertain significance for Tibial muscular dystrophy. Last evaluated: 2018-01-13. Review status: criteria provided, single submitter. Criteria: ICSL Variant Classification Criteria 13 December 2019. Collection method: clinical testing. Allele origin: germline.

Illumina Laboratory Services, Illumina
Classification: Uncertain significance for Myopathy, myofibrillar, 9, with early respiratory failure. Last evaluated: 2018-01-13. Review status: criteria provided, single submitter. Criteria: ICSL Variant Classification Criteria 13 December 2019. Collection method: clinical testing. Allele origin: germline.

Illumina Laboratory Services, Illumina
Classification: Uncertain significance for Early-onset myopathy with fatal cardiomyopathy. Last evaluated: 2018-01-13. Review status: criteria provided, single submitter. Criteria: ICSL Variant Classification Criteria 13 December 2019. Collection method: clinical testing. Allele origin: germline.

Illumina Laboratory Services, Illumina
Classification: Uncertain significance for Dilated cardiomyopathy 1G. Last evaluated: 2018-01-13. Review status: criteria provided, single submitter. Criteria: ICSL Variant Classification Criteria 13 December 2019. Collection method: clinical testing. Allele origin: germline.

Clinical Genetics DNA and cytogenetics Diagnostics Lab, Erasmus MC, Erasmus Medical Center
Classification: Likely benign. Review status: no assertion criteria provided. Collection method: clinical testing. Allele origin: germline. Affected: yes. Study: VKGL Data-share Consensus. Not counted in ClinVar's aggregate classification.

Clinical Genetics, Academic Medical Center
Classification: Benign. Review status: no assertion criteria provided. Collection method: clinical testing. Allele origin: germline. Affected: yes. Study: VKGL Data-share Consensus. Not counted in ClinVar's aggregate classification.

Literature cited by the submitters: PubMed 37904629 (cited by Athena Diagnostics).

NM_001267550.2(TTN):c.15453T>C (p.Asn5151=)

Gene: TTN (titin; minus strand). Cytogenetic location: 2q31.2.
Variant type: single nucleotide variant.
Coding change: c.15453T>C on transcript NM_001267550.2 (MANE Select); coding-DNA position 15453, T replaced by C.
Protein change: p.Asn5151=; no amino-acid change (asparagine 5151 retained).
Molecular consequence: synonymous variant. On other transcripts: intron variant (3).
Genome position (GRCh38, 1-based): chr2:178,734,371, A>G on the plus strand (T>C on the coding strand, the complement: TTN is on the minus strand). VCF-style: chr2-178734371-A-G. GRCh37 (hg19) VCF-style: chr2-179599098-A-G.
Other names: c.14502T>C, p.Asn4834= (NM_001256850.1); c.11721T>C, p.Asn3907= (NM_133378.4); c.13282+3711T>C (NM_003319.4); c.13858+3711T>C (NM_133437.4); c.13657+3711T>C (NM_133432.3); c.15453T>C (NM_001267550.1).
Identifiers: ClinVar variation 332932 (VCV000332932.42), dbSNP rs201343844, ClinGen allele CA2002228.